The following is an entry in ClinVar:

ClinVar aggregate classification (germline): Likely pathogenic (1 of 4 stars; one submission).

Conditions:
Autosomal recessive limb-girdle muscular dystrophy type 2J (LGMDR10). Also called: Limb-girdle muscular dystrophy, type 2J; MUSCULAR DYSTROPHY, LIMB-GIRDLE, AUTOSOMAL RECESSIVE 10. Identifiers: Orphanet 140922, MedGen C1837342, MONDO:0012127, OMIM 608807.
Dilated cardiomyopathy 1G (CMD1G). Identifiers: Orphanet 154, MedGen C1858763, MONDO:0011400, OMIM 604145.

Submission:

Labcorp Genetics (formerly Invitae), Labcorp
Classification: Likely pathogenic for Dilated cardiomyopathy 1G; Autosomal recessive limb-girdle muscular dystrophy type 2J. Last evaluated: 2024-10-28. Review status: criteria provided, single submitter. Criteria: Invitae Variant Classification Sherloc (09022015). Collection method: clinical testing. Allele origin: germline.
Comment: This sequence change creates a premature translational stop signal (p.Trp22981*) in the TTN gene. While this is not anticipated to result in nonsense mediated decay, it is expected to create a truncated TTN protein. This variant is not present in population databases (gnomAD no frequency). This variant has not been reported in the literature in individuals affected with TTN-related conditions. ClinVar contains an entry for this variant (Variation ID: 466654). This variant is located in the A band of TTN (PMID: 25589632). Truncating variants in this region are significantly overrepresented in patients affected with dilated cardiomyopathy (PMID: 25589632). Truncating variants in this region have also been reported in individuals affected with autosomal recessive centronuclear myopathy (PMID: 23975875). In summary, the currently available evidence indicates that the variant is pathogenic, but additional data are needed to prove that conclusively. Therefore, this variant has been classified as Likely Pathogenic.

Literature cited by the submitters: PubMed 25589632; PubMed 23975875.

NM_001267550.2(TTN):c.68943G>A (p.Trp22981Ter)

Genes: TTN (titin; minus strand), TTN-AS1 (TTN antisense RNA 1; plus strand). Cytogenetic location: 2q31.2.
Variant type: single nucleotide variant.
Coding change: c.68943G>A on transcript NM_001267550.2 (MANE Select); coding-DNA position 68943, G replaced by A.
Protein change: p.Trp22981Ter; replaces tryptophan 22981 with a stop codon.
Molecular consequence: nonsense.
Genome position (GRCh38, 1-based): chr2:178,577,392, C>T on the plus strand (G>A on the coding strand, the complement: TTN is on the minus strand). VCF-style: chr2-178577392-C-T. GRCh37 (hg19) VCF-style: chr2-179442119-C-T.
Other names: c.64020G>A, p.Trp21340Ter (NM_001256850.1); c.41748G>A, p.Trp13916Ter (NM_003319.4); c.61239G>A, p.Trp20413Ter (NM_133378.4); c.42123G>A, p.Trp14041Ter (NM_133432.3); c.42324G>A, p.Trp14108Ter (NM_133437.4); short protein forms W22981*, W13916*, W14041*, W14108*, W20413*, W21340*.
Identifiers: ClinVar variation 466654 (VCV000466654.10), dbSNP rs1553617378, ClinGen allele CA349670794.